The following is an entry in ClinVar:

NM_000038.6(APC):c.1515G>T (p.Leu505Phe)

Gene: APC (APC regulator of WNT signaling pathway; plus strand). Cytogenetic location: 5q22.2.
Variant type: single nucleotide variant.
Coding change: c.1515G>T on transcript NM_000038.6 (MANE Select); coding-DNA position 1515, G replaced by T.
Protein change: p.Leu505Phe; replaces leucine 505 with phenylalanine.
Molecular consequence: missense variant.
Genome position (GRCh38, 1-based): chr5:112,827,214, G>T. VCF-style: chr5-112827214-G-T. GRCh37 (hg19) VCF-style: chr5-112162911-G-T.
Other names: c.1515G>T, p.Leu505Phe (NM_001127510.3, NM_001354895.2); c.1461G>T, p.Leu487Phe (NM_001127511.3); c.1569G>T, p.Leu523Phe (NM_001354896.2); c.1545G>T, p.Leu515Phe (NM_001354897.2); c.1440G>T, p.Leu480Phe (NM_001354898.2); c.1431G>T, p.Leu477Phe (NM_001354899.2); c.1392G>T, p.Leu464Phe (NM_001354900.2); c.1338G>T, p.Leu446Phe (NM_001354901.2); and 5 more; short protein forms L487F, L505F, L345F, L404F, L414F, L480F, L379F, L464F.
Identifiers: ClinVar variation 83158 (VCV000083158.2), dbSNP rs77451514, ClinGen allele CA005252.

ClinVar aggregate classification (germline): other (0 of 4 stars; one submission).

Conditions:
Familial colorectal cancer. Identifiers: MedGen CN280943, MONDO:0023113. Disease mechanism: loss of function.

Submission:

Systems Biology Platform Zhejiang California International NanoSystems Institute
Classification: other for Familial colorectal cancer. Review status: no assertion criteria provided. Collection method: not provided. Allele origin: unknown.
ClinVar note: Converted during submission from cancer to other.